The following is an entry in ClinVar:

NM_020297.4(ABCC9):c.4A>G (p.Ser2Gly)

Gene: ABCC9 (ATP binding cassette subfamily C member 9; minus strand). Cytogenetic location: 12p12.1.
Variant type: single nucleotide variant.
Coding change: c.4A>G on transcript NM_020297.4 (MANE Select); coding-DNA position 4, A replaced by G.
Protein change: p.Ser2Gly; replaces serine 2 with glycine.
Molecular consequence: missense variant. On other transcripts: 5 prime UTR variant (1).
Genome position (GRCh38, 1-based): chr12:21,936,671, T>C on the plus strand (A>G on the coding strand, the complement: ABCC9 is on the minus strand). VCF-style: chr12-21936671-T-C. GRCh37 (hg19) VCF-style: chr12-22089605-T-C.
Other names: c.4A>G, p.Ser2Gly (NM_001377273.1, NM_005691.4); c.-451A>G (NM_001377274.1); short protein forms S2G.
Identifiers: ClinVar variation 533284 (VCV000533284.11), dbSNP rs1485712335, ClinGen allele CA384134076.
Genomic context (GRCh38, chr12:21,936,671, plus strand): 5'-TTTGTAGTACACCATCGTTGATATTATATGAAGAAATGTTGTTACCACAAAATGAAAGGC[T>C]CATTTCTTCTTATATGGTTTACTCTAAAAGGGAGAGAAATGAGAAAGAAAAATCCTCTTA-3'
Protein context (NP_064693.2, residues 1-12): M[Ser2Gly]LSFCGNNISS

ClinVar aggregate classification (germline): Uncertain significance. Review status: criteria provided, multiple submitters, no conflicts (2 of 4 stars). 2 submissions from 2 submitters: Uncertain significance (2). Last evaluated 2025-08-13.

Conditions:
Cardiovascular phenotype. Identifiers: MedGen CN230736.
Dilated cardiomyopathy 1O (CMD1O). Also called: CARDIOMYOPATHY, DILATED, WITH VENTRICULAR TACHYCARDIA. Identifiers: Orphanet 154, MedGen C1837839, MONDO:0012062, OMIM 608569.

Allele frequency attached by ClinVar (database versions not stated): gnomAD exomes below 0.00001; TOPMed 0.00001.
gnomAD v4.1: 1 of 1,607,926 alleles (0.000062%); highest among the groups gnomAD compares: African/African-American, 0.0013%; no homozygotes.

Submissions (2):

Ambry Genetics
Classification: Uncertain significance for Cardiovascular phenotype. Last evaluated: 2025-08-13. Review status: criteria provided, single submitter. Criteria: Ambry Variant Classification Scheme 2023. Collection method: clinical testing. Allele origin: germline.
Comment: The p.S2G variant (also known as c.4A>G), located in coding exon 1 of the ABCC9 gene, results from an A to G substitution at nucleotide position 4. The serine at codon 2 is replaced by glycine, an amino acid with similar properties. This amino acid position is not well conserved in available vertebrate species. In addition, the in silico prediction for this alteration is inconclusive. Since supporting evidence is limited at this time, the clinical significance of this alteration remains unclear.

Labcorp Genetics (formerly Invitae), Labcorp
Classification: Uncertain significance for Dilated cardiomyopathy 1O. Last evaluated: 2017-10-16. Review status: criteria provided, single submitter. Criteria: Invitae Variant Classification Sherloc (09022015). Collection method: clinical testing. Allele origin: germline.
Comment: In summary, the available evidence is currently insufficient to determine the role of this variant in disease. Therefore, it has been classified as a Variant of Uncertain Significance. Algorithms developed to predict the effect of missense changes on protein structure and function (SIFT, PolyPhen-2, Align-GVGD) all suggest that this variant is likely to be tolerated, but these predictions have not been confirmed by published functional studies and their clinical significance is uncertain. This variant has not been reported in the literature in individuals with ABCC9-related disease. This variant is not present in population databases (ExAC no frequency). This sequence change replaces serine with glycine at codon 2 of the ABCC9 protein (p.Ser2Gly). The serine residue is moderately conserved and there is a small physicochemical difference between serine and glycine.